The following is an entry in ClinVar:

NM_020778.5(ALPK3):c.2837C>T (p.Thr946Ile)

Gene: ALPK3 (alpha kinase 3; plus strand). Cytogenetic location: 15q25.3.
Variant type: single nucleotide variant.
Coding change: c.2837C>T on transcript NM_020778.5 (MANE Select); coding-DNA position 2837, C replaced by T.
Protein change: p.Thr946Ile; replaces threonine 946 with isoleucine.
Molecular consequence: missense variant.
Genome position (GRCh38, 1-based): chr15:84,857,575, C>T. VCF-style: chr15-84857575-C-T. GRCh37 (hg19) VCF-style: chr15-85400806-C-T.
Other names: short protein forms T946I.
Identifiers: ClinVar variation 4743768 (VCV004743768.1).

ClinVar aggregate classification (germline): Uncertain significance (1 of 4 stars; one submission).

Submission:

Labcorp Genetics (formerly Invitae), Labcorp
Classification: Uncertain significance. Last evaluated: 2025-06-29. Review status: criteria provided, single submitter. Criteria: Invitae Variant Classification Sherloc (09022015). Collection method: clinical testing. Allele origin: germline.
Comment: This sequence change replaces threonine, which is neutral and polar, with isoleucine, which is neutral and non-polar, at codon 1148 of the ALPK3 protein (p.Thr1148Ile). This variant is not present in population databases (gnomAD no frequency). This variant has not been reported in the literature in individuals affected with ALPK3-related conditions. Invitae Evidence Modeling of protein sequence and biophysical properties (such as structural, functional, and spatial information, amino acid conservation, physicochemical variation, residue mobility, and thermodynamic stability) indicates that this missense variant is not expected to disrupt ALPK3 protein function with a negative predictive value of 80%. In summary, the available evidence is currently insufficient to determine the role of this variant in disease. Therefore, it has been classified as a Variant of Uncertain Significance.